The following is an entry in ClinVar:

ClinVar aggregate classification (germline): Uncertain significance. Review status: criteria provided, multiple submitters, no conflicts (2 of 4 stars). 2 submissions from 2 submitters: Uncertain significance (2). Last evaluated 2025-08-31.

Conditions:
Inborn genetic diseases. Identifiers: MedGen C0950123, MeSH D030342.

Allele frequency attached by ClinVar (database versions not stated): ExAC 0.00001; gnomAD 0.00001; TOPMed 0.00001.
gnomAD v4.1: 7 of 1,613,818 alleles (0.00043%); highest among the groups gnomAD compares: African/African-American, 0.004%; no homozygotes.

Submissions (2):

Labcorp Genetics (formerly Invitae), Labcorp
Classification: Uncertain significance. Last evaluated: 2025-08-31. Review status: criteria provided, single submitter. Criteria: Invitae Variant Classification Sherloc (09022015). Collection method: clinical testing. Allele origin: germline.
Comment: This sequence change replaces arginine, which is basic and polar, with glycine, which is neutral and non-polar, at codon 684 of the SCN3A protein (p.Arg684Gly). This variant is present in population databases (rs769002204, gnomAD 0.002%). This missense change has been observed in individuals with SCN3A-related conditions (internal data). ClinVar contains an entry for this variant (Variation ID: 1423121). Invitae Evidence Modeling of protein sequence and biophysical properties (such as structural, functional, and spatial information, amino acid conservation, physicochemical variation, residue mobility, and thermodynamic stability) indicates that this missense variant is not expected to disrupt SCN3A protein function with a negative predictive value of 95%. In summary, the available evidence is currently insufficient to determine the role of this variant in disease. Therefore, it has been classified as a Variant of Uncertain Significance.

Ambry Genetics
Classification: Uncertain significance for Inborn genetic diseases. Last evaluated: 2024-10-17. Review status: criteria provided, single submitter. Criteria: Ambry Variant Classification Scheme 2023. Collection method: clinical testing. Allele origin: germline.

NM_006922.4(SCN3A):c.2050A>G (p.Arg684Gly)

Gene: SCN3A (sodium voltage-gated channel alpha subunit 3; minus strand). Cytogenetic location: 2q24.3.
Variant type: single nucleotide variant.
Coding change: c.2050A>G on transcript NM_006922.4 (MANE Select); coding-DNA position 2050, A replaced by G.
Protein change: p.Arg684Gly; replaces arginine 684 with glycine.
Molecular consequence: missense variant.
Genome position (GRCh38, 1-based): chr2:165,139,578, T>C on the plus strand (A>G on the coding strand, the complement: SCN3A is on the minus strand). VCF-style: chr2-165139578-T-C. GRCh37 (hg19) VCF-style: chr2-165996088-T-C.
Other names: c.1903A>G, p.Arg635Gly (NM_001081676.2, NM_001081677.2); c.2050A>G (NM_006922.3); short protein forms R635G, R684G.
Identifiers: ClinVar variation 1423121 (VCV001423121.9), dbSNP rs769002204, ClinGen allele CA1939029.